The following is an entry in ClinVar:

ClinVar aggregate classification (germline): Uncertain significance. Review status: criteria provided, multiple submitters, no conflicts (2 of 4 stars). 2 submissions from 2 submitters: Uncertain significance (2). Last evaluated 2025-11-30.

Conditions:
Supravalvar aortic stenosis (SVAS). Also called: Supravalvar aortic stenosis, Eisenberg type. Identifiers: Orphanet 3193, MedGen C0003499, MONDO:0008504, OMIM 185500, HP:0004381.

Submissions (2):

Labcorp Genetics (formerly Invitae), Labcorp
Classification: Uncertain significance for Supravalvar aortic stenosis. Last evaluated: 2025-11-30. Review status: criteria provided, single submitter. Criteria: Invitae Variant Classification Sherloc (09022015). Collection method: clinical testing. Allele origin: germline.
Comment: This sequence change replaces alanine, which is neutral and non-polar, with proline, which is neutral and non-polar, at codon 418 of the ELN protein (p.Ala418Pro). This variant is present in population databases (rs142438174, gnomAD 0.0009%). This variant has not been reported in the literature in individuals affected with ELN-related conditions. ClinVar contains an entry for this variant (Variation ID: 1199728). Experimental studies and prediction algorithms are not available or were not evaluated, and the functional significance of this variant is currently unknown. In summary, the available evidence is currently insufficient to determine the role of this variant in disease. Therefore, it has been classified as a Variant of Uncertain Significance.

GeneDx
Classification: Uncertain significance. Last evaluated: 2020-10-01. Review status: criteria provided, single submitter. Criteria: GeneDx Variant Classification Process June 2021. Collection method: clinical testing. Allele origin: germline. Affected: yes.
Comment: Has not been previously published as pathogenic or benign to our knowledge; Not observed at a significant frequency in large population cohorts (Lek et al., 2016); In silico analysis, which includes protein predictors and evolutionary conservation, supports that this variant does not alter protein structure/function

NM_000501.4(ELN):c.1252G>C (p.Ala418Pro)

Gene: ELN (elastin; plus strand). Cytogenetic location: 7q11.23.
Variant type: single nucleotide variant.
Coding change: c.1252G>C on transcript NM_000501.4 (MANE Select); coding-DNA position 1252, G replaced by C.
Protein change: p.Ala418Pro; replaces alanine 418 with proline.
Molecular consequence: missense variant. On other transcripts: intron variant (2).
Genome position (GRCh38, 1-based): chr7:74,056,372, G>C. VCF-style: chr7-74056372-G-C. GRCh37 (hg19) VCF-style: chr7-73470702-G-C.
Other names: c.1222G>C, p.Ala408Pro (NM_001081752.3, NM_001278917.2); c.1267G>C, p.Ala423Pro (NM_001081753.3, NM_001081754.3); c.1252G>C, p.Ala418Pro (NM_001081755.3, NM_001278912.2, NM_001278915.2 and 1 more transcripts); c.1237G>C, p.Ala413Pro (NM_001278914.2); c.1210G>C, p.Ala404Pro (NM_001278916.2); c.1129+15G>C (NM_001278913.2); c.1105+15G>C (NM_001278918.2); short protein forms A404P, A408P, A413P, A418P, A423P.
Identifiers: ClinVar variation 1199728 (VCV001199728.6), dbSNP rs142438174, ClinGen allele CA4292907.
Genomic context (GRCh38, chr7:74,056,372, plus strand): 5'-GGGGTTGGAGCTGGGGGCTTTCCCGGCTTTGGTGTCGGAGTCGGAGGTATCCCTGGAGTC[G>C]CAGGTGTCCCTGGTGTCGGAGGTGTTCCCGGAGTCGGAGGTGTCCCGGGAGTTGGCATTT-3'
Protein context (NP_000492.2, residues 408-428): GVGVGGIPGV[Ala418Pro]GVPGVGGVPG